The following is an entry in ClinVar:

NM_000368.5(TSC1):c.3168_3171delinsGGTG (p.Gly1057Val)

Gene: TSC1 (TSC complex subunit 1; minus strand). Cytogenetic location: 9q34.13.
Variant type: Indel.
Coding change: c.3168_3171delinsGGTG on transcript NM_000368.5 (MANE Select); coding-DNA positions 3168 to 3171, AGGC replaced by GGTG.
Protein change: p.Gly1057Val; replaces glycine 1057 with valine.
Molecular consequence: missense variant.
Genome position (GRCh38, 1-based): chr9:132,896,559-132,896,562, GCCT replaced by CACC on the plus strand (AGGC replaced by GGTG on the coding strand, the reverse complement: TSC1 is on the minus strand). VCF-style: chr9-132896559-GCCT-CACC. GRCh37 (hg19) VCF-style: chr9-135771946-GCCT-CACC.
Other names: c.3165_3168delinsGGTG, p.Gly1056Val (NM_001162426.2); c.3015_3018delinsGGTG, p.Gly1006Val (NM_001162427.2); c.2805_2808delinsGGTG, p.Gly936Val (NM_001362177.2); short protein forms G1006V, G1056V, G1057V, G936V.
Identifiers: ClinVar variation 135367 (VCV000135367.1), dbSNP rs587778725, ClinGen allele CA007210.

ClinVar aggregate classification (germline): not provided (0 of 4 stars; one submission).

Submission:

ITMI
No classification provided. Condition: AllHighlyPenetrant. Last evaluated: 2013-09-19. Review status: no classification provided. Collection method: reference population. Allele origin: germline.
Comment: Please see associated publication for description of ethnicities

Literature cited by the submitters: PubMed 24728327.